The following is an entry in ClinVar:

ClinVar aggregate classification (germline): Uncertain significance (1 of 4 stars; one submission).

Conditions:
PLEC-related disorder. Also called: PLEC-related condition; PLEC-related disorders.

gnomAD v4.1: 6 of 1,548,758 alleles (0.00039%); highest among the groups gnomAD compares: African/African-American, 0.0042%; no homozygotes.

Submission:

PreventionGenetics, part of Exact Sciences
Classification: Uncertain significance for PLEC-related condition. Last evaluated: 2026-06-16. Review status: criteria provided, single submitter. Criteria: ACMG Guidelines, 2015. Collection method: clinical testing. Allele origin: germline.
Comment: The PLEC c.49G>A variant is predicted to result in the amino acid substitution p.Glu17Lys. To our knowledge, this variant has not been reported in the literature. This variant is reported in 0.0% of alleles in individuals of African descent in gnomAD. At this time, the clinical significance of this variant is uncertain due to the absence of conclusive functional and genetic evidence.

NM_201378.4(PLEC):c.49G>A (p.Glu17Lys)

Gene: PLEC (plectin; minus strand). Cytogenetic location: 8q24.3.
Variant type: single nucleotide variant.
Coding change: c.49G>A on transcript NM_201378.4 (MANE Plus Clinical); coding-DNA position 49, G replaced by A.
Protein change: p.Glu17Lys; replaces glutamic acid 17 with lysine.
Molecular consequence: missense variant. On other transcripts: intron variant (2).
Genome position (GRCh38, 1-based): chr8:143,973,424, C>T on the plus strand (G>A on the coding strand, the complement: PLEC is on the minus strand). VCF-style: chr8-143973424-C-T. GRCh37 (hg19) VCF-style: chr8-145047592-C-T.
Other names: c.193+1753G>A (NM_001410941.1, NM_000445.5); short protein forms E17K.
Identifiers: ClinVar variation 4981950 (VCV004981950.1).